The following is an entry in ClinVar:

NM_001190274.2(FBXO11):c.1646G>A (p.Gly549Glu)

Gene: FBXO11 (F-box protein 11; minus strand). Cytogenetic location: 2p16.3.
Variant type: single nucleotide variant.
Coding change: c.1646G>A on transcript NM_001190274.2 (MANE Select); coding-DNA position 1646, G replaced by A.
Protein change: p.Gly549Glu; replaces glycine 549 with glutamic acid.
Molecular consequence: missense variant.
Genome position (GRCh38, 1-based): chr2:47,822,274, C>T on the plus strand (G>A on the coding strand, the complement: FBXO11 is on the minus strand). VCF-style: chr2-47822274-C-T. GRCh37 (hg19) VCF-style: chr2-48049413-C-T.
Other names: c.1394G>A, p.Gly465Glu (NM_001374325.1, NM_025133.4); short protein forms G465E, G549E.
Identifiers: ClinVar variation 3364466 (VCV003364466.10).

ClinVar aggregate classification (germline): Conflicting classifications of pathogenicity. Review status: criteria provided, conflicting classifications (1 of 4 stars). 3 submissions from 3 submitters: Likely pathogenic (1); Uncertain significance (2). Last evaluated 2025-08-01.

Submissions (3):

CeGaT Center for Human Genetics Tuebingen
Classification: Likely pathogenic. Last evaluated: 2025-08-01. Review status: criteria provided, single submitter. Criteria: CeGaT Center For Human Genetics Tuebingen Variant Classification Criteria Version 2. Collection method: clinical testing. Allele origin: germline. Affected: yes. Observed: 1 variant allele.
Comment: FBXO11: PM2, PM5, PP2, PP3

GeneDx
Classification: Uncertain significance. Last evaluated: 2024-04-15. Review status: criteria provided, single submitter. Criteria: GeneDx Variant Classification Process June 2021. Collection method: clinical testing. Allele origin: germline. Affected: yes.
Comment: Not observed at significant frequency in large population cohorts (gnomAD); In silico analysis supports that this missense variant has a deleterious effect on protein structure/function; Has not been previously published as pathogenic or benign to our knowledge

Blueprint Genetics
Classification: Uncertain significance. Last evaluated: 2023-09-18. Review status: criteria provided, single submitter. Criteria: ACMG Guidelines, 2015. Collection method: clinical testing. Allele origin: germline.